The following is an entry in ClinVar:

NM_020163.3(SEMA3G):c.113G>A (p.Arg38Gln)

Gene: SEMA3G (semaphorin 3G; minus strand). Cytogenetic location: 3p21.1.
Variant type: single nucleotide variant.
Coding change: c.113G>A on transcript NM_020163.3 (MANE Select); coding-DNA position 113, G replaced by A.
Protein change: p.Arg38Gln; replaces arginine 38 with glutamine.
Molecular consequence: missense variant.
Genome position (GRCh38, 1-based): chr3:52,444,915, C>T on the plus strand (G>A on the coding strand, the complement: SEMA3G is on the minus strand). VCF-style: chr3-52444915-C-T. GRCh37 (hg19) VCF-style: chr3-52478931-C-T.
Other names: c.113G>A (NM_020163.1); short protein forms R38Q.
Identifiers: ClinVar variation 3350395 (VCV003350395.2).
Genomic context (GRCh38, chr3:52,444,915, plus strand): 5'-GAGCGCACACACACAAACAGGGCACATGCACACAAACAGGGCACGCAGGGGCTGGTACCT[C>T]GGTAGGAGAGCCGCAGGCGGGGCACACTGGGGCCGGGGCTGGGGCCAGAGCTACCCCCAT-3'
Protein context (NP_064548.1, residues 28-48): PSVPRLRLSY[Arg38Gln]DLLSANRSAI

ClinVar aggregate classification (germline): Uncertain significance. Review status: criteria provided, single submitter (1 of 4 stars). 2 submissions from 2 submitters: Uncertain significance (1). 1 of the submissions does not count toward it. Last evaluated 2025-12-09.

Conditions:
SEMA3G-related disorder. Also called: SEMA3G-related condition.

gnomAD v4.1: 263 of 1,302,506 alleles (0.02%); highest among the groups gnomAD compares: Middle Eastern, 0.029%; 1 homozygote.

Submissions (2):

Ambry Genetics
Classification: Uncertain significance. Last evaluated: 2025-12-09. Review status: criteria provided, single submitter. Criteria: Ambry Variant Classification Scheme 2023. Collection method: clinical testing. Allele origin: germline.

PreventionGenetics, part of Exact Sciences
Classification: Likely benign for SEMA3G-related condition. Last evaluated: 2022-02-23. Review status: no assertion criteria provided. Collection method: clinical testing. Allele origin: germline. Not counted in ClinVar's aggregate classification.
Comment: This variant is classified as likely benign based on ACMG/AMP sequence variant interpretation guidelines (Richards et al. 2015 PMID: 25741868, with internal and published modifications).